The following is an entry in ClinVar:

NM_001042492.3(NF1):c.3G>C (p.Met1Ile)

Genes: NF1 (neurofibromin 1; plus strand), MIR4733HG (MIR4733 host gene; minus strand), LOC111811965 (NF1 (neurofibromin 1) promoter region; plus strand). Cytogenetic location: 17q11.2.
Variant type: single nucleotide variant.
Coding change: c.3G>C on transcript NM_001042492.3 (MANE Select); coding-DNA position 3, G replaced by C.
Protein change: p.Met1Ile; changes the start codon (methionine 1).
Molecular consequence: missense variant, initiator codon variant. On other transcripts: non-coding transcript variant (1).
Genome position (GRCh38, 1-based): chr17:31,095,312, G>C. VCF-style: chr17-31095312-G-C. GRCh37 (hg19) VCF-style: chr17-29422330-G-C.
Other names: c.3G>C, p.Met1Ile (NM_000267.4, NM_001128147.3); short protein forms M1I.
Identifiers: ClinVar variation 824485 (VCV000824485.6), dbSNP rs1598173737, ClinGen allele CA398979155.

ClinVar aggregate classification (germline): Pathogenic. Review status: criteria provided, multiple submitters, no conflicts (2 of 4 stars). 2 submissions from 2 submitters: Pathogenic (2). Last evaluated 2025-03-14.

Conditions:
Hereditary cancer-predisposing syndrome. Also called: Neoplastic Syndromes, Hereditary; Tumor predisposition; Hereditary neoplastic syndrome; Hereditary Cancer Syndrome. Identifiers: Orphanet 140162, MedGen C0027672, MeSH D009386, MONDO:0015356.
Cardiovascular phenotype. Identifiers: MedGen CN230736.

Submissions (2):

GeneDx
Classification: Pathogenic. Last evaluated: 2025-03-14. Review status: criteria provided, single submitter. Criteria: GeneDx Variant Classification Process June 2021. Collection method: clinical testing. Allele origin: germline. Affected: yes.
Comment: Initiation codon variant in a gene for which loss of function is a known mechanism of disease; Not observed at significant frequency in large population cohorts (gnomAD); Has not been previously published as pathogenic or benign to our knowledge

Ambry Genetics
Classification: Pathogenic for Cardiovascular phenotype; Hereditary cancer-predisposing syndrome. Last evaluated: 2019-02-14. Review status: criteria provided, single submitter. Criteria: Ambry Variant Classification Scheme 2023. Collection method: clinical testing. Allele origin: germline.
Comment: The p.M1? pathogenic mutation (also known as c.3G>C), located in coding exon 1 of the NF1 gene, results from a G to C substitution at nucleotide position 3. This alters the methionine residue at the initiation codon. A similar alteration, p.M1? (c.3G>A), has been detected in an individual who meets National Institute of Health Neurofibromatosis Type 1 clinical criteria (Sabbagh A et al. Hum. Mutat., 2013 Nov;34:1510-8). Since sequence variations that modify the initiation codon (ATG) are expected to result in either loss of translation initiation, N-terminal truncation, or cause a shift in the mRNA reading frame, this alteration is interpreted as a disease-causing mutation.